The following is an entry in ClinVar:

ClinVar aggregate classification (germline): Uncertain significance (1 of 4 stars; one submission).

gnomAD v4.1: 1 of 1,586,776 alleles (0.000063%); highest among the groups gnomAD compares: Admixed American, 0.0018%; no homozygotes.

Submission:

Ambry Genetics
Classification: Uncertain significance. Last evaluated: 2025-08-22. Review status: criteria provided, single submitter. Criteria: Ambry Variant Classification Scheme 2023. Collection method: clinical testing. Allele origin: germline.
Comment: The p.D1885G variant (also known as c.5654A>G), located in coding exon 22 of the WNK2 gene, results from an A to G substitution at nucleotide position 5654. The aspartic acid at codon 1885 is replaced by glycine, an amino acid with similar properties. This amino acid position is conserved. In addition, this alteration is predicted to be deleterious by in silico analysis. Based on the available evidence, the clinical significance of this variant remains unclear.

NM_006648.4(WNK2):c.5654A>G (p.Asp1885Gly)

Gene: WNK2 (WNK lysine deficient protein kinase 2; plus strand). Cytogenetic location: 9q22.31.
Variant type: single nucleotide variant.
Coding change: c.5654A>G on transcript NM_006648.4 (MANE Select); coding-DNA position 5654, A replaced by G.
Protein change: p.Asp1885Gly; replaces aspartic acid 1885 with glycine.
Molecular consequence: missense variant.
Genome position (GRCh38, 1-based): chr9:93,293,119, A>G. VCF-style: chr9-93293119-A-G. GRCh37 (hg19) VCF-style: chr9-96055401-A-G.
Other names: c.5765A>G, p.Asp1922Gly (NM_001282394.3); short protein forms D1885G, D1922G.
Identifiers: ClinVar variation 4201799 (VCV004201799.1).